The following is an entry in ClinVar:

NM_001792.5(CDH2):c.1202C>A (p.Ala401Asp)

Gene: CDH2 (cadherin 2; minus strand). Cytogenetic location: 18q12.1.
Variant type: single nucleotide variant.
Coding change: c.1202C>A on transcript NM_001792.5 (MANE Select); coding-DNA position 1202, C replaced by A.
Protein change: p.Ala401Asp; replaces alanine 401 with aspartic acid.
Molecular consequence: missense variant.
Genome position (GRCh38, 1-based): chr18:27,992,797, G>T on the plus strand (C>A on the coding strand, the complement: CDH2 is on the minus strand). VCF-style: chr18-27992797-G-T. GRCh37 (hg19) VCF-style: chr18-25572761-G-T.
Other names: c.1109C>A, p.Ala370Asp (NM_001308176.2); short protein forms A370D, A401D.
Identifiers: ClinVar variation 1925721 (VCV001925721.6), dbSNP rs1297670315, ClinGen allele CA402110511.

ClinVar aggregate classification (germline): Uncertain significance. Review status: criteria provided, multiple submitters, no conflicts (2 of 4 stars). 2 submissions from 2 submitters: Uncertain significance (2). Last evaluated 2024-07-17.

gnomAD v4.1: 2 of 1,613,888 alleles (0.00012%); highest among the groups gnomAD compares: Non-Finnish European, 0.00017%; no homozygotes.

Submissions (2):

Dasa
Classification: Uncertain significance. Last evaluated: 2024-07-17. Review status: criteria provided, single submitter. Criteria: DASA Assertion Criteria. Collection method: clinical testing. Allele origin: germline.
Comment: NM_001792.5(CDH2):c.1202C>A (p.Ala401Asp) is a missense variant that results in the substitution of alanine with aspartic acid. Multiple computational predictions support a deleterious effect on the gene or gene product. The variant is present at low frequency in population datasets. Based on the available data, this variant is classified as variant of uncertain significance.

Labcorp Genetics (formerly Invitae), Labcorp
Classification: Uncertain significance. Last evaluated: 2022-05-03. Review status: criteria provided, single submitter. Criteria: Invitae Variant Classification Sherloc (09022015). Collection method: clinical testing. Allele origin: germline.
Comment: Algorithms developed to predict the effect of missense changes on protein structure and function (SIFT, PolyPhen-2, Align-GVGD) all suggest that this variant is likely to be disruptive. In summary, the available evidence is currently insufficient to determine the role of this variant in disease. Therefore, it has been classified as a Variant of Uncertain Significance. This variant has not been reported in the literature in individuals affected with CDH2-related conditions. This variant is not present in population databases (gnomAD no frequency). This sequence change replaces alanine, which is neutral and non-polar, with aspartic acid, which is acidic and polar, at codon 401 of the CDH2 protein (p.Ala401Asp).